The following is an entry in ClinVar:

ClinVar aggregate classification (germline): Benign (1 of 4 stars; one submission).

Allele frequency attached by ClinVar (database versions not stated): gnomAD 0.01631 and 0.01755; 1000 Genomes Project 0.01737; 1000 Genomes Project 30x 0.01858.
gnomAD v4.1: 2,454 of 152,292 alleles (1.6%); highest among the groups gnomAD compares: African/African-American, 5.6%; 56 homozygotes.

Submission:

GeneDx
Classification: Benign. Last evaluated: 2018-06-16. Review status: criteria provided, single submitter. Criteria: GeneDx Variant Classification (06012015). Collection method: clinical testing. Allele origin: germline. Affected: yes.
Comment: This variant is considered likely benign or benign based on one or more of the following criteria: it is a conservative change, it occurs at a poorly conserved position in the protein, it is predicted to be benign by multiple in silico algorithms, and/or has population frequency not consistent with disease.

NM_002047.4(GARS1):c.2094+277G>A

Gene: GARS1 (glycyl-tRNA synthetase 1; plus strand). Cytogenetic location: 7p14.3.
Variant type: single nucleotide variant.
Coding change: c.2094+277G>A on transcript NM_002047.4 (MANE Select); 277 bases into the intron after coding-DNA position 2094, G replaced by A.
Molecular consequence: intron variant.
Genome position (GRCh38, 1-based): chr7:30,632,714, G>A. VCF-style: chr7-30632714-G-A. GRCh37 (hg19) VCF-style: chr7-30672330-G-A.
Other names: c.1932+277G>A (NM_001316772.1).
Identifiers: ClinVar variation 673715 (VCV000673715.1), dbSNP rs183763845, ClinGen allele CA156061157.